The following is an entry in ClinVar:

ClinVar aggregate classification (germline): Conflicting classifications of pathogenicity. Review status: criteria provided, conflicting classifications (1 of 4 stars). 6 submissions from 5 submitters: Uncertain significance (4); Likely benign (2). Last evaluated 2022-12-28.

Conditions:
Autosomal recessive ataxia, Beauce type. Also called: SYNE1 Deficiency; ATAXIA, RECESSIVE, OF BEAUCE; SYNE1-Related Autosomal Recessive Cerebellar Ataxia; Spinocerebellar ataxia, autosomal recessive 8. Identifiers: Orphanet 88644, MedGen C1853116, MONDO:0012549, OMIM 610743.
Emery-Dreifuss muscular dystrophy 4, autosomal dominant (EDMD4). Also called: EMERY-DREIFUSS MUSCULAR DYSTROPHY 4 WITH VARIABLE FEATURES. Identifiers: Orphanet 261, MedGen C2751807, MONDO:0013071, OMIM 612998.

Allele frequency attached by ClinVar (database versions not stated): ExAC 0.00008; gnomAD exomes 0.00008; TOPMed 0.00008; 1000 Genomes Project 0.00020; 1000 Genomes Project 30x 0.00031; gnomAD 0.00006 and 0.00007.
gnomAD v4.1: 124 of 1,612,442 alleles (0.0077%); highest among the groups gnomAD compares: Middle Eastern, 0.033%; no homozygotes.

Submissions (6):

Athena Diagnostics
Classification: Uncertain significance. Last evaluated: 2022-12-28. Review status: criteria provided, single submitter. Criteria: Athena Diagnostics Criteria. Collection method: clinical testing. Allele origin: unknown.
Comment: Available data are insufficient to determine the clinical significance of the variant at this time. The frequency of this variant in the general population is uninformative in assessment of its pathogenicity. Computational tools yielded predictions that this variant may interfere with normal RNA splicing.

GeneDx
Classification: Uncertain significance. Last evaluated: 2022-03-14. Review status: criteria provided, single submitter. Criteria: GeneDx Variant Classification Process June 2021. Collection method: clinical testing. Allele origin: germline. Affected: yes.
Comment: In silico analysis supports that this variant does not alter splicing; Has not been previously published as pathogenic or benign to our knowledge

Labcorp Genetics (formerly Invitae), Labcorp
Classification: Uncertain significance for Emery-Dreifuss muscular dystrophy 4, autosomal dominant; Autosomal recessive ataxia, Beauce type. Last evaluated: 2021-09-30. Review status: criteria provided, single submitter. Criteria: Invitae Variant Classification Sherloc (09022015). Collection method: clinical testing. Allele origin: germline.
Comment: This sequence change affects codon 110 of the SYNE1 mRNA. It is a 'silent' change, meaning that it does not change the encoded amino acid sequence of the SYNE1 protein. This variant is present in population databases (rs143635963, ExAC 0.03%). This variant has not been reported in the literature in individuals with SYNE1-related disease. ClinVar contains an entry for this variant (Variation ID: 355949). Algorithms developed to predict the effect of sequence changes on RNA splicing suggest that this variant may disrupt the consensus splice site, but this prediction has not been confirmed by published transcriptional studies. In summary, the available evidence is currently insufficient to determine the role of this variant in disease. Therefore, it has been classified as a Variant of Uncertain Significance.

Illumina Laboratory Services, Illumina
Classification: Likely benign for Emery-Dreifuss muscular dystrophy 4, autosomal dominant. Last evaluated: 2017-04-27. Review status: criteria provided, single submitter. Criteria: ICSL Variant Classification Criteria 13 December 2019. Collection method: clinical testing. Allele origin: germline.
Comment: This variant was observed as part of a predisposition screen in an ostensibly healthy population. A literature search was performed for the gene, cDNA change, and amino acid change (where applicable). No publications were found based on this search. Allele frequency data from public databases allowed determination this variant is unlikely to cause disease. Therefore, this variant is classified as likely benign.

Illumina Laboratory Services, Illumina
Classification: Likely benign for Autosomal recessive ataxia, Beauce type. Last evaluated: 2017-04-27. Review status: criteria provided, single submitter. Criteria: ICSL Variant Classification Criteria 13 December 2019. Collection method: clinical testing. Allele origin: germline.
Comment: the same text as in the submission from Illumina Laboratory Services, Illumina above.

CeGaT Center for Human Genetics Tuebingen
Classification: Uncertain significance. Last evaluated: 2017-01-01. Review status: criteria provided, single submitter. Criteria: CeGaT Center For Human Genetics Tuebingen Variant Classification Criteria Version 2. Collection method: clinical testing. Allele origin: germline. Affected: yes. Observed: 1 variant allele.

NM_182961.4(SYNE1):c.310-468G>A

Gene: SYNE1 (spectrin repeat containing nuclear envelope protein 1; minus strand). Cytogenetic location: 6q25.2.
Variant type: single nucleotide variant.
Coding change: c.310-468G>A on transcript NM_182961.4 (MANE Select); 468 bases into the intron before coding-DNA position 310, G replaced by A.
Molecular consequence: intron variant. On other transcripts: synonymous variant (1).
Genome position (GRCh38, 1-based): chr6:152,511,571, C>T on the plus strand (G>A on the coding strand, the complement: SYNE1 is on the minus strand). VCF-style: chr6-152511571-C-T. GRCh37 (hg19) VCF-style: chr6-152832706-C-T.
Other names: c.330G>A, p.Pro110= (NM_033071.5).
Identifiers: ClinVar variation 355949 (VCV000355949.55), dbSNP rs143635963, ClinGen allele CA4059784.
Genomic context (GRCh38, chr6:152,511,571, plus strand): 5'-ACTTATGTTCCCTTTTACCTATAAAAATCAGGAGTTAAGAATTCTAAAATTTGTACTAAC[C>T]GGTGATCCTCTGTGCATGGACTGACATGAAAAACAAAGGGAGAAGATAATAGATATACAT-3'